The following is an entry in ClinVar:

NM_000245.4(MET):c.406_444dup (p.His148_Asn149insValAsnArgGlyThrCysGlnArgHisValPheProHis)

Gene: MET (MET proto-oncogene, receptor tyrosine kinase; plus strand). Cytogenetic location: 7q31.2.
Variant type: Duplication.
Coding change: c.406_444dup on transcript NM_000245.4 (MANE Select); coding-DNA positions 406 to 444, 39 bases duplicated.
Protein change: p.His148_Asn149insValAsnArgGlyThrCysGlnArgHisValPheProHis.
Molecular consequence: inframe insertion. On other transcripts: inframe indel (1), intron variant (1).
Genome position (GRCh38, 1-based): chr7:116,699,490-116,699,528, 39 bases duplicated; duplicating any 39 consecutive bases within chr7:116,699,489-116,699,528 gives the same sequence; the c. name uses the placement nearest the transcript's 3' end. GRCh37 (hg19): chr7:116,339,544-116,339,582.
Other names: c.406_444dupGTCAACAGAGGGACCTGCCAGCGACATGTCTTTCCCCAC (NM_001127500.1); c.406_444dup, p.His148_Asn149insValAsnArgGlyThrCysGlnArgHisValPheProHis (NM_001127500.3, NM_001324401.3); c.-91+26913_-91+26951dup (NM_001324402.2).
Identifiers: ClinVar variation 4859927 (VCV004859927.1).

ClinVar aggregate classification (germline): Uncertain significance (1 of 4 stars; one submission).

Conditions:
Hereditary cancer-predisposing syndrome. Also called: Neoplastic Syndromes, Hereditary; Tumor predisposition; Hereditary Cancer Syndrome; Hereditary neoplastic syndrome. Identifiers: Orphanet 140162, MedGen C0027672, MeSH D009386, MONDO:0015356.

Submission:

Ambry Genetics
Classification: Uncertain significance for Hereditary cancer-predisposing syndrome. Last evaluated: 2026-03-22. Review status: criteria provided, single submitter. Criteria: Ambry Variant Classification Scheme 2023. Collection method: clinical testing. Allele origin: germline.
Comment: The c.406_444dup39 variant (also known as p.V136_H148dup), located in coding exon 1 of the MET gene, results from an in-frame duplication of 39 nucleotides at nucleotide positions 406 to 444. This results in the duplication of 13 extra residues (VNRGTCQRHVFPH) between codons 136 and 148. This amino acid region is well conserved in available vertebrate species. In addition, this variant is predicted to be deleterious by in silico analysis (Choi Y et al. PLoS ONE. 2012; 7(10):e46688). Based on the available evidence, the clinical significance of this variant remains unclear.